The following is an entry in ClinVar:

ClinVar aggregate classification (germline): Uncertain significance (1 of 4 stars; one submission).

Allele frequency attached by ClinVar (database versions not stated): gnomAD exomes below 0.00001 and 0.00001; ExAC 0.00001; gnomAD 0.00001.
gnomAD v4.1: 3 of 1,610,262 alleles (0.00019%); highest among the groups gnomAD compares: Admixed American, 0.0017%; no homozygotes.

Submission:

GeneDx
Classification: Uncertain significance. Last evaluated: 2013-05-14. Review status: criteria provided, single submitter. Criteria: GeneDx Variant Classification (06012015). Collection method: clinical testing. Allele origin: germline. Affected: yes.
Comment: Missense variants in the TTN gene are considered 'unclassified' if they are not previously reported in the literature and do not have >1% frequency in the population to be considered a polymorphism. Research indicates that truncating mutations in the TTN gene are expected to account for approximately 25% of familial and 18% of sporadic idiopathic DCM; however, truncating variants in the TTN gene have been reported in approximately 3% of reported control alleles. There has been little investigation into non-truncating variants. (Herman D et al. Truncations of titin causing dilated cardiomyopathy. N Eng J Med 366:619-628, 2012) The variant is found in DCM panel(s).

NM_001267550.2(TTN):c.31892T>C (p.Ile10631Thr)

Gene: TTN (titin; minus strand). Cytogenetic location: 2q31.2.
Variant type: single nucleotide variant.
Coding change: c.31892T>C on transcript NM_001267550.2 (MANE Select); coding-DNA position 31892, T replaced by C.
Protein change: p.Ile10631Thr; replaces isoleucine 10631 with threonine.
Molecular consequence: missense variant. On other transcripts: intron variant (3).
Genome position (GRCh38, 1-based): chr2:178,689,550, A>G on the plus strand (T>C on the coding strand, the complement: TTN is on the minus strand). VCF-style: chr2-178689550-A-G. GRCh37 (hg19) VCF-style: chr2-179554277-A-G.
Other names: p.I10314T:ATT>ACT; c.30941T>C, p.Ile10314Thr (NM_001256850.1); c.28160T>C, p.Ile9387Thr (NM_133378.4); c.13283-47233T>C (NM_003319.4); c.13859-47233T>C (NM_133437.4); c.13658-47233T>C (NM_133432.3); short protein forms I10314T, I10631T, I9387T.
Identifiers: ClinVar variation 202566 (VCV000202566.2), dbSNP rs752797889, ClinGen allele CA309608.